The following is an entry in ClinVar:

NM_152564.5(VPS13B):c.2825G>A (p.Gly942Asp)

Gene: VPS13B (vacuolar protein sorting 13 homolog B; plus strand). Cytogenetic location: 8q22.2.
Variant type: single nucleotide variant.
Coding change: c.2825G>A on transcript NM_152564.5 (MANE Select); coding-DNA position 2825, G replaced by A.
Protein change: p.Gly942Asp; replaces glycine 942 with aspartic acid.
Molecular consequence: missense variant.
Genome position (GRCh38, 1-based): chr8:99,384,208, G>A. VCF-style: chr8-99384208-G-A. GRCh37 (hg19) VCF-style: chr8-100396436-G-A.
Other names: c.2825G>A, p.Gly942Asp (NM_017890.5); short protein forms G942D.
Identifiers: ClinVar variation 2058412 (VCV002058412.3), dbSNP rs765354194, ClinGen allele CA182952351.

ClinVar aggregate classification (germline): Uncertain significance (1 of 4 stars; one submission).

Conditions:
Cohen syndrome (COH1). Also called: PEPPER SYNDROME; Cutis verticis gyrata, retinitis pigmentosa, and sensorineural deafness. Identifiers: Orphanet 193, MedGen C0265223, MONDO:0008999, OMIM 216550.

Allele frequency attached by ClinVar (database versions not stated): gnomAD 0.00001.
gnomAD v4.1: 13 of 1,612,802 alleles (0.00081%); highest among the groups gnomAD compares: East Asian, 0.0045%; no homozygotes.

Submission:

Labcorp Genetics (formerly Invitae), Labcorp
Classification: Uncertain significance for Cohen syndrome. Last evaluated: 2024-10-26. Review status: criteria provided, single submitter. Criteria: Invitae Variant Classification Sherloc (09022015). Collection method: clinical testing. Allele origin: germline.
Comment: This sequence change replaces glycine, which is neutral and non-polar, with aspartic acid, which is acidic and polar, at codon 942 of the VPS13B protein (p.Gly942Asp). This variant is present in population databases (rs765354194, gnomAD 0.02%). This variant has not been reported in the literature in individuals affected with VPS13B-related conditions. ClinVar contains an entry for this variant (Variation ID: 2058412). An algorithm developed to predict the effect of missense changes on protein structure and function (PolyPhen-2) suggests that this variant is likely to be disruptive. In summary, the available evidence is currently insufficient to determine the role of this variant in disease. Therefore, it has been classified as a Variant of Uncertain Significance.